The following is an entry in ClinVar:

ClinVar aggregate classification (germline): Uncertain significance (1 of 4 stars; one submission).

gnomAD v4.1: 2 of 1,538,522 alleles (0.00013%); highest among the groups gnomAD compares: Admixed American, 0.0041%; no homozygotes.

Submission:

Labcorp Genetics (formerly Invitae), Labcorp
Classification: Uncertain significance. Last evaluated: 2024-11-10. Review status: criteria provided, single submitter. Criteria: Invitae Variant Classification Sherloc (09022015). Collection method: clinical testing. Allele origin: germline.
Comment: This sequence change replaces lysine, which is basic and polar, with asparagine, which is neutral and polar, at codon 304 of the CDK13 protein (p.Lys304Asn). This variant is not present in population databases (gnomAD no frequency). This variant has not been reported in the literature in individuals affected with CDK13-related conditions. Invitae Evidence Modeling of protein sequence and biophysical properties (such as structural, functional, and spatial information, amino acid conservation, physicochemical variation, residue mobility, and thermodynamic stability) indicates that this missense variant is not expected to disrupt CDK13 protein function with a negative predictive value of 80%. In summary, the available evidence is currently insufficient to determine the role of this variant in disease. Therefore, it has been classified as a Variant of Uncertain Significance.

NM_003718.5(CDK13):c.912G>T (p.Lys304Asn)

Gene: CDK13 (cyclin dependent kinase 13; plus strand). Cytogenetic location: 7p14.1.
Variant type: single nucleotide variant.
Coding change: c.912G>T on transcript NM_003718.5 (MANE Select); coding-DNA position 912, G replaced by T.
Protein change: p.Lys304Asn; replaces lysine 304 with asparagine.
Molecular consequence: missense variant.
Genome position (GRCh38, 1-based): chr7:39,951,553, G>T. VCF-style: chr7-39951553-G-T. GRCh37 (hg19) VCF-style: chr7-39991152-G-T.
Other names: c.912G>T, p.Lys304Asn (NM_031267.4); short protein forms K304N.
Identifiers: ClinVar variation 3665857 (VCV003665857.2).